The following is an entry in ClinVar:

ClinVar aggregate classification (germline): Uncertain significance (1 of 4 stars; one submission).

Submission:

Labcorp Genetics (formerly Invitae), Labcorp
Classification: Uncertain significance. Last evaluated: 2024-08-22. Review status: criteria provided, single submitter. Criteria: Invitae Variant Classification Sherloc (09022015). Collection method: clinical testing. Allele origin: germline.
Comment: This sequence change replaces glutamic acid, which is acidic and polar, with glycine, which is neutral and non-polar, at codon 1454 of the MYH14 protein (p.Glu1454Gly). This variant is not present in population databases (gnomAD no frequency). This variant has not been reported in the literature in individuals affected with MYH14-related conditions. Invitae Evidence Modeling of protein sequence and biophysical properties (such as structural, functional, and spatial information, amino acid conservation, physicochemical variation, residue mobility, and thermodynamic stability) indicates that this missense variant is expected to disrupt MYH14 protein function with a positive predictive value of 80%. In summary, the available evidence is currently insufficient to determine the role of this variant in disease. Therefore, it has been classified as a Variant of Uncertain Significance.

NM_001145809.2(MYH14):c.4484A>G (p.Glu1495Gly)

Gene: MYH14 (myosin heavy chain 14; plus strand). Cytogenetic location: 19q13.33.
Variant type: single nucleotide variant.
Coding change: c.4484A>G on transcript NM_001145809.2 (MANE Select); coding-DNA position 4484, A replaced by G.
Protein change: p.Glu1495Gly; replaces glutamic acid 1495 with glycine.
Molecular consequence: missense variant.
Genome position (GRCh38, 1-based): chr19:50,281,787, A>G. VCF-style: chr19-50281787-A-G. GRCh37 (hg19) VCF-style: chr19-50785044-A-G.
Other names: c.4385A>G, p.Glu1462Gly (NM_001077186.2); c.4361A>G, p.Glu1454Gly (NM_024729.4); short protein forms E1454G, E1462G, E1495G.
Identifiers: ClinVar variation 3707314 (VCV003707314.2).